The following is an entry in ClinVar:

NM_000444.6(PHEX):c.433G>T (p.Glu145Ter)

Gene: PHEX (phosphate regulating endopeptidase X-linked; plus strand). Cytogenetic location: Xp22.11.
Variant type: single nucleotide variant.
Coding change: c.433G>T on transcript NM_000444.6 (MANE Select); coding-DNA position 433, G replaced by T.
Protein change: p.Glu145Ter; replaces glutamic acid 145 with a stop codon.
Molecular consequence: nonsense.
Genome position (GRCh38, 1-based): chrX:22,076,471, G>T. VCF-style: chrX-22076471-G-T. GRCh37 (hg19) VCF-style: chrX-22094589-G-T.
Other names: c.433G>T, p.Glu145Ter (NM_001282754.2); short protein forms E145*.
Identifiers: ClinVar variation 1210115 (VCV001210115.5), dbSNP rs2147019297, ClinGen allele CA412571205.

ClinVar aggregate classification (germline): Pathogenic (1 of 4 stars; one submission).

Submissions (2):

Labcorp Genetics (formerly Invitae), Labcorp
Classification: Pathogenic. Last evaluated: 2024-05-05. Review status: criteria provided, single submitter. Criteria: Invitae Variant Classification Sherloc (09022015). Collection method: clinical testing. Allele origin: germline.
Comment: This sequence change creates a premature translational stop signal (p.Glu145*) in the PHEX gene. It is expected to result in an absent or disrupted protein product. Loss-of-function variants in PHEX are known to be pathogenic (PMID: 9097956, 9106524, 19219621). This variant is not present in population databases (gnomAD no frequency). This premature translational stop signal has been observed in individual(s) with X-linked hypophosphatemic rickets (PMID: 29858904, 35654784). ClinVar contains an entry for this variant (Variation ID: 1210115). Algorithms developed to predict the effect of sequence changes on RNA splicing suggest that this variant may disrupt the consensus splice site. For these reasons, this variant has been classified as Pathogenic.

Department of Traditional Chinese Medicine, Fujian Provincial Hospital
No classification provided (evidence only). Condition: Familial X-linked hypophosphatemic vitamin D refractory rickets. Review status: no classification provided. Collection method: research. Allele origin: not applicable. Inheritance: X-linked recessive inheritance. Functional consequence: Decreased function. Not counted in ClinVar's aggregate classification.
Comment: Defects in this gene will cause X-linked hypophosphatemic rickets, a recessive genetic disorder of the X chromosome, that usually induce hypophosphatemia in those who had PHEX mutation. Many variants of PHEX have been proved its pathogenic. We found that c.433G>T was a new nonsense mutation, and we did related cell function studies to prove its pathogenicity.

"Likely pathogenic" was previously submitted as the classification for the variant. However, the classification appeared to be based only on an observation of functional data so it was converted to no classification on 2025-07-30.

Literature cited by the submitters: PubMed 9097956 (cited by Labcorp Genetics (formerly Invitae), Labcorp); PubMed 9106524 (cited by Labcorp Genetics (formerly Invitae), Labcorp); PubMed 19219621 (cited by Labcorp Genetics (formerly Invitae), Labcorp); PubMed 29858904 (cited by Labcorp Genetics (formerly Invitae), Labcorp); PubMed 35654784 (cited by Labcorp Genetics (formerly Invitae), Labcorp); DOI 10.1515/jpem-2017-0451 (cited by Department of Traditional Chinese Medicine, Fujian Provincial Hospital).